The following is an entry in ClinVar:

NM_002948.5(RPL15):c.410C>A (p.Pro137Gln)

Genes: NKIRAS1 (NFKB inhibitor interacting Ras like 1; minus strand), RPL15 (ribosomal protein L15; plus strand). Cytogenetic location: 3p24.2.
Variant type: single nucleotide variant.
Coding change: c.410C>A on transcript NM_002948.5 (MANE Select); coding-DNA position 410, C replaced by A.
Protein change: p.Pro137Gln; replaces proline 137 with glutamine.
Molecular consequence: missense variant. On other transcripts: intron variant (2).
Genome position (GRCh38, 1-based): chr3:23,919,296, C>A. VCF-style: chr3-23919296-C-A. GRCh37 (hg19) VCF-style: chr3-23960787-C-A.
Other names: c.410C>A, p.Pro137Gln (NM_001253379.2, NM_001253380.2, NM_001253382.2 and 1 more transcripts); c.-139-7846G>T (NM_001377380.1); c.360+50C>A (NM_001253384.2); short protein forms P137Q.
Identifiers: ClinVar variation 3662447 (VCV003662447.2).

ClinVar aggregate classification (germline): Uncertain significance (1 of 4 stars; one submission).

Submission:

Labcorp Genetics (formerly Invitae), Labcorp
Classification: Uncertain significance. Last evaluated: 2024-10-31. Review status: criteria provided, single submitter. Criteria: Invitae Variant Classification Sherloc (09022015). Collection method: clinical testing. Allele origin: germline.
Comment: This sequence change replaces proline, which is neutral and non-polar, with glutamine, which is neutral and polar, at codon 137 of the RPL15 protein (p.Pro137Gln). This variant is not present in population databases (gnomAD no frequency). This variant has not been reported in the literature in individuals affected with RPL15-related conditions. An algorithm developed to predict the effect of missense changes on protein structure and function (PolyPhen-2) suggests that this variant is likely to be disruptive. In summary, the available evidence is currently insufficient to determine the role of this variant in disease. Therefore, it has been classified as a Variant of Uncertain Significance.